The following is an entry in ClinVar:

NM_005901.6(SMAD2):c.930G>T (p.Arg310Ser)

Gene: SMAD2 (SMAD family member 2; minus strand). Cytogenetic location: 18q21.1.
Variant type: single nucleotide variant.
Coding change: c.930G>T on transcript NM_005901.6 (MANE Select); coding-DNA position 930, G replaced by T.
Protein change: p.Arg310Ser; replaces arginine 310 with serine.
Molecular consequence: missense variant.
Genome position (GRCh38, 1-based): chr18:47,848,542, C>A on the plus strand (G>T on the coding strand, the complement: SMAD2 is on the minus strand). VCF-style: chr18-47848542-C-A. GRCh37 (hg19) VCF-style: chr18-45374913-C-A.
Other names: c.930G>T, p.Arg310Ser (NM_001003652.4); c.840G>T, p.Arg280Ser (NM_001135937.3); short protein forms R310S, R280S.
Identifiers: ClinVar variation 4740905 (VCV004740905.2).

ClinVar aggregate classification (germline): Uncertain significance. Review status: criteria provided, multiple submitters, no conflicts (2 of 4 stars). 2 submissions from 2 submitters: Uncertain significance (2). Last evaluated 2025-05-13.

Submissions (2):

Labcorp Genetics (formerly Invitae), Labcorp
Classification: Uncertain significance. Last evaluated: 2025-05-13. Review status: criteria provided, single submitter. Criteria: Invitae Variant Classification Sherloc (09022015). Collection method: clinical testing. Allele origin: germline.
Comment: This sequence change replaces arginine, which is basic and polar, with serine, which is neutral and polar, at codon 310 of the SMAD2 protein (p.Arg310Ser). This variant is not present in population databases (gnomAD no frequency). This variant has not been reported in the literature in individuals affected with SMAD2-related conditions. Invitae Evidence Modeling of protein sequence and biophysical properties (such as structural, functional, and spatial information, amino acid conservation, physicochemical variation, residue mobility, and thermodynamic stability) indicates that this missense variant is expected to disrupt SMAD2 protein function with a positive predictive value of 80%. In summary, the available evidence is currently insufficient to determine the role of this variant in disease. Therefore, it has been classified as a Variant of Uncertain Significance.

Blueprint Genetics
Classification: Uncertain significance. Last evaluated: 2019-12-31. Review status: criteria provided, single submitter. Criteria: ACMG Guidelines, 2015. Collection method: clinical testing. Allele origin: germline.